The following is an entry in ClinVar:

ClinVar aggregate classification (germline): Uncertain significance. Review status: criteria provided, multiple submitters, no conflicts (2 of 4 stars). 4 submissions from 4 submitters: Uncertain significance (4). Last evaluated 2026-08-01.

Conditions:
Inborn genetic diseases. Identifiers: MedGen C0950123, MeSH D030342.
CDH23-related disorder. Also called: CDH23-related condition; CDH23-related disorders.

Allele frequency attached by ClinVar (database versions not stated): ExAC 0.00011; gnomAD exomes 0.00003 and 0.00009; TOPMed 0.00006; gnomAD 0.00007.
gnomAD v4.1: 51 of 1,606,522 alleles (0.0032%); highest among the groups gnomAD compares: Middle Eastern, 0.049%; no homozygotes.

Submissions (4):

PreventionGenetics, part of Exact Sciences
Classification: Uncertain significance for CDH23-related condition. Last evaluated: 2026-08-01. Review status: criteria provided, single submitter. Criteria: ACMG Guidelines, 2015. Collection method: clinical testing. Allele origin: germline.
Comment: The CDH23 c.2995G>A variant is predicted to result in the amino acid substitution p.Val999Met. To our knowledge, this variant has not been reported in the literature. This variant is reported in 0.027% of alleles in individuals of African descent in gnomAD. At this time, the clinical significance of this variant is uncertain due to the absence of conclusive functional and genetic evidence.

Ambry Genetics
Classification: Uncertain significance for Inborn genetic diseases. Last evaluated: 2025-04-04. Review status: criteria provided, single submitter. Criteria: Ambry Variant Classification Scheme 2023. Collection method: clinical testing. Allele origin: germline.

Blueprint Genetics
Classification: Uncertain significance. Last evaluated: 2024-07-09. Review status: criteria provided, single submitter. Criteria: ACMG Guidelines, 2015. Collection method: clinical testing. Allele origin: germline.

Labcorp Genetics (formerly Invitae), Labcorp
Classification: Uncertain significance. Last evaluated: 2022-07-12. Review status: criteria provided, single submitter. Criteria: Invitae Variant Classification Sherloc (09022015). Collection method: clinical testing. Allele origin: germline.
Comment: This sequence change replaces valine, which is neutral and non-polar, with methionine, which is neutral and non-polar, at codon 999 of the CDH23 protein (p.Val999Met). This variant is present in population databases (rs753237056, gnomAD 0.03%). This variant has not been reported in the literature in individuals affected with CDH23-related conditions. ClinVar contains an entry for this variant (Variation ID: 1345779). Algorithms developed to predict the effect of missense changes on protein structure and function output the following: SIFT: "Deleterious"; PolyPhen-2: "Not Available"; Align-GVGD: "Class C0". The methionine amino acid residue is found in multiple mammalian species, which suggests that this missense change does not adversely affect protein function. In summary, the available evidence is currently insufficient to determine the role of this variant in disease. Therefore, it has been classified as a Variant of Uncertain Significance.

NM_022124.6(CDH23):c.2995G>A (p.Val999Met)

Gene: CDH23 (cadherin related 23; plus strand). Cytogenetic location: 10q22.1.
Variant type: single nucleotide variant.
Coding change: c.2995G>A on transcript NM_022124.6 (MANE Select); coding-DNA position 2995, G replaced by A.
Protein change: p.Val999Met; replaces valine 999 with methionine.
Molecular consequence: missense variant.
Genome position (GRCh38, 1-based): chr10:71,706,938, G>A. VCF-style: chr10-71706938-G-A. GRCh37 (hg19) VCF-style: chr10-73466695-G-A.
Other names: c.2995G>A, p.Val999Met (NM_001171930.2, NM_001171931.2); c.2995G>A (NM_022124.5); short protein forms V999M.
Identifiers: ClinVar variation 1345779 (VCV001345779.6), dbSNP rs753237056, ClinGen allele CA5544418.